The following is an entry in ClinVar:

NM_148919.4(PSMB8):c.467C>T (p.Ser156Phe)

Gene: PSMB8 (proteasome 20S subunit beta 8; minus strand). Cytogenetic location: 6p21.32.
Variant type: single nucleotide variant.
Coding change: c.467C>T on transcript NM_148919.4 (MANE Select); coding-DNA position 467, C replaced by T.
Protein change: p.Ser156Phe; replaces serine 156 with phenylalanine.
Molecular consequence: missense variant.
Genome position (GRCh38, 1-based): chr6:32,842,204, G>A on the plus strand (C>T on the coding strand, the complement: PSMB8 is on the minus strand). VCF-style: chr6-32842204-G-A. GRCh37 (hg19) VCF-style: chr6-32809981-G-A.
Other names: c.455C>T, p.Ser152Phe (NM_004159.5); short protein forms S152F, S156F.
Identifiers: ClinVar variation 2134785 (VCV002134785.4), dbSNP rs1769951218, ClinGen allele CA363588926.

ClinVar aggregate classification (germline): Uncertain significance (1 of 4 stars; one submission).

Conditions:
Proteosome-associated autoinflammatory syndrome. Also called: Proteasome-associated autoinflammatory syndrome. Identifiers: Orphanet 324977, MedGen C1850568, MONDO:0009726.

Allele frequency attached by ClinVar (database versions not stated): gnomAD exomes below 0.00001.
gnomAD v4.1: 3 of 1,613,158 alleles (0.00019%); highest among the groups gnomAD compares: Non-Finnish European, 0.00025%; no homozygotes.

Submission:

Labcorp Genetics (formerly Invitae), Labcorp
Classification: Uncertain significance for Proteosome-associated autoinflammatory syndrome. Last evaluated: 2022-05-06. Review status: criteria provided, single submitter. Criteria: Invitae Variant Classification Sherloc (09022015). Collection method: clinical testing. Allele origin: germline.
Comment: This sequence change replaces serine, which is neutral and polar, with phenylalanine, which is neutral and non-polar, at codon 156 of the PSMB8 protein (p.Ser156Phe). This variant is not present in population databases (gnomAD no frequency). This variant has not been reported in the literature in individuals affected with PSMB8-related conditions. Algorithms developed to predict the effect of missense changes on protein structure and function are either unavailable or do not agree on the potential impact of this missense change (SIFT: "Deleterious"; PolyPhen-2: "Probably Damaging"; Align-GVGD: "Class C0"). In summary, the available evidence is currently insufficient to determine the role of this variant in disease. Therefore, it has been classified as a Variant of Uncertain Significance.